The following is an entry in ClinVar:

ClinVar aggregate classification (germline): Conflicting classifications of pathogenicity. Review status: criteria provided, conflicting classifications (1 of 4 stars). 3 submissions from 3 submitters: Uncertain significance (1); Likely benign (1). 1 of the submissions does not count toward it. Last evaluated 2025-12-20.

Conditions:
MHC class II deficiency. Also called: Bare lymphocyte syndrome 2; BLS, TYPE II. Identifiers: Orphanet 572, MedGen C5447452, MONDO:0008855.
CIITA-related disorder. Also called: CIITA-related condition.

Allele frequency attached by ClinVar (database versions not stated): gnomAD 0.00001; TOPMed 0.00002; ExAC 0.00002; gnomAD exomes 0.00001.
gnomAD v4.1: 64 of 1,612,026 alleles (0.004%); highest among the groups gnomAD compares: Non-Finnish European, 0.0053%; no homozygotes.

Submissions (3):

Labcorp Genetics (formerly Invitae), Labcorp
Classification: Likely benign for MHC class II deficiency. Last evaluated: 2025-12-20. Review status: criteria provided, single submitter. Criteria: Invitae Variant Classification Sherloc (09022015). Collection method: clinical testing. Allele origin: germline.

Illumina Laboratory Services, Illumina
Classification: Uncertain significance for MHC class II deficiency 1. Last evaluated: 2018-01-13. Review status: criteria provided, single submitter. Criteria: ICSL Variant Classification Criteria 13 December 2019. Collection method: clinical testing. Allele origin: germline.

PreventionGenetics, part of Exact Sciences
Classification: Likely benign for CIITA-related condition. Last evaluated: 2022-05-16. Review status: no assertion criteria provided. Collection method: clinical testing. Allele origin: germline. Not counted in ClinVar's aggregate classification.
Comment: This variant is classified as likely benign based on ACMG/AMP sequence variant interpretation guidelines (Richards et al. 2015 PMID: 25741868, with internal and published modifications).

NM_000246.4(CIITA):c.1635C>G (p.Leu545=)

Gene: CIITA (class II major histocompatibility complex transactivator; plus strand). Cytogenetic location: 16p13.13.
Variant type: single nucleotide variant.
Coding change: c.1635C>G on transcript NM_000246.4 (MANE Select); coding-DNA position 1635, C replaced by G.
Protein change: p.Leu545=; no amino-acid change (leucine 545 retained).
Molecular consequence: synonymous variant. On other transcripts: intron variant (1).
Genome position (GRCh38, 1-based): chr16:10,907,127, C>G. VCF-style: chr16-10907127-C-G. GRCh37 (hg19) VCF-style: chr16-11000984-C-G.
Other names: c.1638C>G, p.Leu546= (NM_001286402.1, NM_001379332.1); c.1491C>G, p.Leu497= (NM_001379330.1); c.1488C>G, p.Leu496= (NM_001379331.1); c.1635C>G, p.Leu545= (NM_001379333.1); c.1566C>G, p.Leu522= (NM_001379334.1); c.860-1856C>G (NM_001286403.2).
Identifiers: ClinVar variation 317697 (VCV000317697.17), dbSNP rs748330320, ClinGen allele CA7900188.